The following is an entry in ClinVar:

ClinVar aggregate classification (germline): Conflicting classifications of pathogenicity. Review status: criteria provided, conflicting classifications (1 of 4 stars). 4 submissions from 4 submitters: Uncertain significance (2); Likely benign (2). Last evaluated 2026-07-03.

Conditions:
Inborn genetic diseases. Identifiers: MedGen C0950123, MeSH D030342.
Bethlem myopathy 1A. Also called: MYOPATHY, BENIGN CONGENITAL, WITH CONTRACTURES; Bethlem myopathy 1; Bethlem Muscular Dystrophy. Identifiers: Orphanet 610, MedGen CN029274, MONDO:0024530, OMIM 158810.

Allele frequency attached by ClinVar (database versions not stated): TOPMed below 0.00001; gnomAD 0.00001; gnomAD exomes 0.00001.

Submissions (4):

Ambry Genetics
Classification: Likely benign for Inborn genetic diseases. Last evaluated: 2026-07-03. Review status: criteria provided, single submitter. Criteria: Ambry Variant Classification Scheme 2023. Collection method: clinical testing. Allele origin: germline.

Labcorp Genetics (formerly Invitae), Labcorp
Classification: Uncertain significance for Bethlem myopathy 1A. Last evaluated: 2025-10-22. Review status: criteria provided, single submitter. Criteria: Invitae Variant Classification Sherloc (09022015). Collection method: clinical testing. Allele origin: germline.
Comment: This sequence change replaces threonine, which is neutral and polar, with isoleucine, which is neutral and non-polar, at codon 1206 of the COL6A3 protein (p.Thr1206Ile). This variant is not present in population databases (gnomAD no frequency). This variant has not been reported in the literature in individuals affected with COL6A3-related conditions. ClinVar contains an entry for this variant (Variation ID: 1301662). Invitae Evidence Modeling of protein sequence and biophysical properties (such as structural, functional, and spatial information, amino acid conservation, physicochemical variation, residue mobility, and thermodynamic stability) indicates that this missense variant is not expected to disrupt COL6A3 protein function with a negative predictive value of 80%. In summary, the available evidence is currently insufficient to determine the role of this variant in disease. Therefore, it has been classified as a Variant of Uncertain Significance.

Revvity Omics, Revvity
Classification: Uncertain significance. Last evaluated: 2023-01-04. Review status: criteria provided, single submitter. Criteria: ACMG Guidelines, 2015. Collection method: clinical testing. Allele origin: germline.

Dubai Health Genomic Medicine Center, Dubai Health
Classification: Likely benign. Last evaluated: 2019-12-15. Review status: criteria provided, single submitter. Criteria: ACMG Guidelines, 2015. Collection method: clinical testing. Allele origin: germline. Affected: yes.

NM_004369.4(COL6A3):c.3617C>T (p.Thr1206Ile)

Gene: COL6A3 (collagen type VI alpha 3 chain; minus strand). Cytogenetic location: 2q37.3.
Variant type: single nucleotide variant.
Coding change: c.3617C>T on transcript NM_004369.4 (MANE Select); coding-DNA position 3617, C replaced by T.
Protein change: p.Thr1206Ile; replaces threonine 1206 with isoleucine.
Molecular consequence: missense variant.
Genome position (GRCh38, 1-based): chr2:237,374,474, G>A on the plus strand (C>T on the coding strand, the complement: COL6A3 is on the minus strand). VCF-style: chr2-237374474-G-A. GRCh37 (hg19) VCF-style: chr2-238283117-G-A.
Other names: c.2396C>T, p.Thr799Ile (NM_057164.5); c.2999C>T, p.Thr1000Ile (NM_057165.5, NM_057167.4); c.1796C>T, p.Thr599Ile (NM_057166.5); short protein forms T1000I, T1206I, T599I, T799I.
Identifiers: ClinVar variation 1301662 (VCV001301662.13), dbSNP rs949598599, ClinGen allele CA67823256.